The following is an entry in ClinVar:

NM_017563.5(IL17RD):c.731G>A (p.Arg244Gln)

Gene: IL17RD (interleukin 17 receptor D; minus strand). Cytogenetic location: 3p14.3.
Variant type: single nucleotide variant.
Coding change: c.731G>A on transcript NM_017563.5 (MANE Select); coding-DNA position 731, G replaced by A.
Protein change: p.Arg244Gln; replaces arginine 244 with glutamine.
Molecular consequence: missense variant.
Genome position (GRCh38, 1-based): chr3:57,105,873, C>T on the plus strand (G>A on the coding strand, the complement: IL17RD is on the minus strand). VCF-style: chr3-57105873-C-T. GRCh37 (hg19) VCF-style: chr3-57139901-C-T.
Other names: c.299G>A, p.Arg100Gln (NM_001318864.2); short protein forms R100Q, R244Q.
Identifiers: ClinVar variation 3629532 (VCV003629532.2).
Genomic context (GRCh38, chr3:57,105,873, plus strand): 5'-CTTTGAAACACGCAGTGTTCCTTTATATACACCCAGCAGCTCACCTGCTTACAGGTCTTT[C>T]GCTTGAAAGGTCCTTCGTGCTTGAGCTTGTAGTGAAGATAGAAGAAACGGAAGCCGAAGT-3'
Protein context (NP_060033.3, residues 234-254): YKLKHEGPFK[Arg244Gln]KTCKQEQTTE

ClinVar aggregate classification (germline): Uncertain significance (1 of 4 stars; one submission).

gnomAD v4.1: 21 of 1,613,644 alleles (0.0013%); highest among the groups gnomAD compares: Admixed American, 0.0067%; no homozygotes.

Submission:

Women's Health and Genetics/Laboratory Corporation of America, LabCorp
Classification: Uncertain significance. Last evaluated: 2024-11-29. Review status: criteria provided, single submitter. Criteria: LabCorp Variant Classification Summary - May 2015. Collection method: clinical testing. Allele origin: germline.
Comment: Variant summary: IL17RD c.731G>A (p.Arg244Gln) results in a conservative amino acid change in the encoded protein sequence. Five of five in-silico tools predict a benign effect of the variant on protein function. The variant allele was found at a frequency of 2.8e-05 in 250924 control chromosomes. The available data on variant occurrences in the general population are insufficient to allow any conclusion about variant significance. To our knowledge, no occurrence of c.731G>A in individuals affected with Hypogonadotropic Hypogonadism 18 With Or Without Anosmia and no experimental evidence demonstrating its impact on protein function have been reported. No submitters have cited clinical-significance assessments for this variant to ClinVar. Based on the evidence outlined above, the variant was classified as uncertain significance.